The following is an entry in ClinVar:

NM_007272.3(CTRC):c.440C>G (p.Ser147Cys)

Gene: CTRC (chymotrypsin C; plus strand). Cytogenetic location: 1p36.21.
Variant type: single nucleotide variant.
Coding change: c.440C>G on transcript NM_007272.3 (MANE Select); coding-DNA position 440, C replaced by G.
Protein change: p.Ser147Cys; replaces serine 147 with cysteine.
Molecular consequence: missense variant.
Genome position (GRCh38, 1-based): chr1:15,443,502, C>G. VCF-style: chr1-15443502-C-G. GRCh37 (hg19) VCF-style: chr1-15769997-C-G.
Other names: short protein forms S147C.
Identifiers: ClinVar variation 2449712 (VCV002449712.2), dbSNP rs2526297284, ClinGen allele CA338566199.

ClinVar aggregate classification (germline): Uncertain significance (1 of 4 stars; one submission).

Conditions:
Hereditary pancreatitis (PCTT). Also called: Hereditary chronic pancreatitis; PRSS1-Related Hereditary Pancreatitis. Identifiers: Orphanet 676, MedGen C0238339, MONDO:0008185, OMIM 167800.

Submission:

Ambry Genetics
Classification: Uncertain significance for Hereditary pancreatitis. Last evaluated: 2022-12-18. Review status: criteria provided, single submitter. Criteria: Ambry Variant Classification Scheme 2023. Collection method: clinical testing. Allele origin: germline.
Comment: The p.S147C variant (also known as c.440C>G), located in coding exon 5 of the CTRC gene, results from a C to G substitution at nucleotide position 440. The serine at codon 147 is replaced by cysteine, an amino acid with dissimilar properties. This amino acid position is conserved. In addition, this alteration is predicted to be tolerated by in silico analysis. Since supporting evidence is limited at this time, the clinical significance of this alteration remains unclear.